The following is an entry in ClinVar:

ClinVar aggregate classification (germline): Uncertain significance. Review status: criteria provided, multiple submitters, no conflicts (2 of 4 stars). 2 submissions from 2 submitters: Uncertain significance (2). Last evaluated 2025-01-30.

Conditions:
Cystic fibrosis (CF). Also called: MUCOVISCIDOSIS. Identifiers: Orphanet 586, MedGen C0010674, MONDO:0009061, OMIM 219700. Disease mechanism: loss of function.

Allele frequency attached by ClinVar (database versions not stated): gnomAD 0.00001; gnomAD exomes 0.00001; TOPMed 0.00001.
gnomAD v4.1: 9 of 1,611,948 alleles (0.00056%); highest among the groups gnomAD compares: Non-Finnish European, 0.00076%; no homozygotes.

Submissions (2):

GeneDx
Classification: Uncertain significance. Last evaluated: 2025-01-30. Review status: criteria provided, single submitter. Criteria: GeneDx Variant Classification Process June 2021. Collection method: clinical testing. Allele origin: germline.
Comment: Not observed at significant frequency in large population cohorts (gnomAD); In silico analysis indicates that this missense variant does not alter protein structure/function; In silico analysis suggests this variant may impact gene splicing. In the absence of RNA/functional studies, the actual effect of this sequence change is unknown; Has not been previously published as pathogenic or benign to our knowledge

Ambry Genetics
Classification: Uncertain significance for Cystic fibrosis. Last evaluated: 2016-03-22. Review status: criteria provided, single submitter. Criteria: Ambry Variant Classification Scheme 2023. Collection method: clinical testing. Allele origin: germline.
Comment: The p.F494V variant (also known as c.1480T>G), located in coding exon 11 of the CFTR gene, results from a T to G substitution at nucleotide position 1480. The phenylalanine at codon 494 is replaced by valine, an amino acid with highly similar properties. This variant was not reported in population based cohorts in the following databases: Database of Single Nucleotide Polymorphisms (dbSNP), NHLBI Exome Sequencing Project (ESP), and 1000 Genomes Project. In the ESP, this variant was not observed in 6503 samples (13006 alleles) with coverage at this position. This amino acid position is not well conserved in available vertebrate species, and valine is the reference amino acid in other vertebrate species. In addition, the in silico prediction for this alteration is inconclusive. Since supporting evidence is limited at this time, the clinical significance of this variant remains unclear.

NM_000492.4(CFTR):c.1480T>G (p.Phe494Val)

Genes: CFTR (CF transmembrane conductance regulator; plus strand), CFTR-AS1 (CFTR antisense RNA 1; minus strand). Cytogenetic location: 7q31.2.
Variant type: single nucleotide variant.
Coding change: c.1480T>G on transcript NM_000492.4 (MANE Select); coding-DNA position 1480, T replaced by G.
Protein change: p.Phe494Val; replaces phenylalanine 494 with valine.
Molecular consequence: missense variant.
Genome position (GRCh38, 1-based): chr7:117,559,551, T>G. VCF-style: chr7-117559551-T-G. GRCh37 (hg19) VCF-style: chr7-117199605-T-G.
Other names: short protein forms F494V.
Identifiers: ClinVar variation 1773566 (VCV001773566.4), dbSNP rs1466073638, ClinGen allele CA368984551.